The following is an entry in ClinVar:

ClinVar aggregate classification (germline): Uncertain significance. Review status: criteria provided, multiple submitters, no conflicts (2 of 4 stars). 3 submissions from 3 submitters: Uncertain significance (3). Last evaluated 2022-07-03.

Allele frequency attached by ClinVar (database versions not stated): gnomAD exomes 0.00002; ExAC 0.00005; gnomAD 0.00005; ESP Exome Variant Server 0.00008; TOPMed 0.00009.
gnomAD v4.1: 38 of 1,614,028 alleles (0.0024%); highest among the groups gnomAD compares: Middle Eastern, 0.016%; no homozygotes.

Submissions (3):

Labcorp Genetics (formerly Invitae), Labcorp
Classification: Uncertain significance. Last evaluated: 2022-07-03. Review status: criteria provided, single submitter. Criteria: Invitae Variant Classification Sherloc (09022015). Collection method: clinical testing. Allele origin: germline.
Comment: In summary, the available evidence is currently insufficient to determine the role of this variant in disease. Therefore, it has been classified as a Variant of Uncertain Significance. Algorithms developed to predict the effect of missense changes on protein structure and function are either unavailable or do not agree on the potential impact of this missense change (SIFT: "Deleterious"; PolyPhen-2: "Probably Damaging"; Align-GVGD: "Class C0"). This variant has not been reported in the literature in individuals affected with SORL1-related conditions. This variant is present in population databases (rs149445303, gnomAD 0.01%). This sequence change replaces threonine, which is neutral and polar, with methionine, which is neutral and non-polar, at codon 1876 of the SORL1 protein (p.Thr1876Met).

CeGaT Center for Human Genetics Tuebingen
Classification: Uncertain significance. Last evaluated: 2022-06-01. Review status: criteria provided, single submitter. Criteria: CeGaT Center For Human Genetics Tuebingen Variant Classification Criteria Version 2. Collection method: clinical testing. Allele origin: germline. Affected: yes. Observed: 1 variant allele.

Ambry Genetics
Classification: Uncertain significance. Last evaluated: 2022-04-07. Review status: criteria provided, single submitter. Criteria: Ambry Variant Classification Scheme 2023. Collection method: clinical testing. Allele origin: germline.

NM_003105.6(SORL1):c.5627C>T (p.Thr1876Met)

Gene: SORL1 (sortilin related receptor 1; plus strand). Cytogenetic location: 11q24.1.
Variant type: single nucleotide variant.
Coding change: c.5627C>T on transcript NM_003105.6 (MANE Select); coding-DNA position 5627, C replaced by T.
Protein change: p.Thr1876Met; replaces threonine 1876 with methionine.
Molecular consequence: missense variant.
Genome position (GRCh38, 1-based): chr11:121,618,796, C>T. VCF-style: chr11-121618796-C-T. GRCh37 (hg19) VCF-style: chr11-121489505-C-T.
Other names: short protein forms T1876M.
Identifiers: ClinVar variation 2080699 (VCV002080699.29), dbSNP rs149445303, ClinGen allele CA6330013.
Genomic context (GRCh38, chr11:121,618,796, plus strand): 5'-ATGAGCTGATGTCCTCTTCCATTCTCTGCTTTTACCAGGTTTATGGTATTTTCTATGCCA[C>T]GTCCTTTCTTGACCTCTATCGCAACCCGAAGAGCTTGACTACTTCACTCCACAACAAGAC-3'
Protein context (NP_003096.2, residues 1866-1886): RNVVYGIFYA[Thr1876Met]SFLDLYRNPK